The following is an entry in ClinVar:

ClinVar aggregate classification (germline): Pathogenic (1 of 4 stars; one submission).

Conditions:
Hereditary factor VIII deficiency disease (HEMA). Also called: HEMOPHILIA, CLASSIC; Hemophilia A; Hemophilia A, congenital; HEM A; Factor 8 deficiency, congenital; AUTOSOMAL HEMOPHILIA A. Identifiers: Orphanet 98878, MedGen C0019069, MONDO:0010602, OMIM 306700.

Submission:

Women's Health and Genetics/Laboratory Corporation of America, LabCorp
Classification: Pathogenic for Hereditary factor VIII deficiency disease. Last evaluated: 2026-03-27. Review status: criteria provided, single submitter. Criteria: LabCorp Variant Classification Summary - May 2015. Collection method: clinical testing. Allele origin: germline.
Comment: Variant summary: F8 c.5501_5504delACTT (p.Tyr1834PhefsX36) results in a premature termination codon, predicted to cause a truncation of the encoded protein or absence of the protein due to nonsense mediated decay, which are commonly known mechanisms for disease. The variant was absent in 183371 control chromosomes. c.5501_5504delACTT has been observed in individuals affected with Factor VIII Deficiency (Hemophilia A)(e.g. Spena_2018). These data indicate that the variant is likely associated with disease. To our knowledge, no experimental evidence demonstrating an impact on protein function has been reported. The following publication has been ascertained in the context of this evaluation (PMID: 29399993). No submitters have cited clinical-significance assessments for this variant to ClinVar. Based on the evidence outlined above, the variant was classified as pathogenic.

Literature cited by the submitters: PubMed 29399993.

NM_000132.4(F8):c.5501_5504del (p.Tyr1834fs)

Gene: F8 (coagulation factor VIII; minus strand). Cytogenetic location: Xq28.
Variant type: Microsatellite.
Coding change: c.5501_5504del on transcript NM_000132.4 (MANE Select); coding-DNA positions 5501 to 5504, 4 bases deleted (ACTT; older notation c.5501_5504delACTT).
Protein change: p.Tyr1834fs; shifts the reading frame from tyrosine 1834.
Molecular consequence: frameshift variant.
Genome position (GRCh38, 1-based): chrX:154,904,893-154,904,896, AAGT deleted on the plus strand (ACTT on the coding strand, the reverse complement: F8 is on the minus strand); deleting any 4 consecutive bases within chrX:154,904,893-154,904,900 gives the same sequence; the c. name uses the placement nearest the transcript's 3' end. VCF-style (leftmost placement, unchanged base first): chrX-154904892-AAAGT-A. GRCh37 (hg19) VCF-style: chrX-154133167-AAAGT-A.
Other names: c.5501_5504delACTT (NM_000132.4); short protein forms Y1834fs.
Identifiers: ClinVar variation 4847639 (VCV004847639.1).